The following is an entry in ClinVar:

ClinVar aggregate classification (germline): Uncertain significance (1 of 4 stars; one submission).

Conditions:
Developmental and epileptic encephalopathy 94 (DEE94). Also called: Epileptic encephalopathy, childhood-onset; CHD2-Related Neurodevelopmental Disorders. Identifiers: Orphanet 1942, Orphanet 2382, MedGen C3809278, MONDO:0014150, OMIM 615369.

gnomAD v4.1: 1 of 1,613,882 alleles (0.000062%); highest among the groups gnomAD compares: Non-Finnish European, 0.000085%; no homozygotes.

Submission:

Labcorp Genetics (formerly Invitae), Labcorp
Classification: Uncertain significance for Developmental and epileptic encephalopathy 94. Last evaluated: 2024-08-14. Review status: criteria provided, single submitter. Criteria: Invitae Variant Classification Sherloc (09022015). Collection method: clinical testing. Allele origin: germline.
Comment: This sequence change replaces serine, which is neutral and polar, with asparagine, which is neutral and polar, at codon 747 of the CHD2 protein (p.Ser747Asn). This variant is not present in population databases (gnomAD no frequency). This variant has not been reported in the literature in individuals affected with CHD2-related conditions. Invitae Evidence Modeling of protein sequence and biophysical properties (such as structural, functional, and spatial information, amino acid conservation, physicochemical variation, residue mobility, and thermodynamic stability) indicates that this missense variant is not expected to disrupt CHD2 protein function with a negative predictive value of 95%. In summary, the available evidence is currently insufficient to determine the role of this variant in disease. Therefore, it has been classified as a Variant of Uncertain Significance.

NM_001271.4(CHD2):c.2240G>A (p.Ser747Asn)

Gene: CHD2 (chromodomain helicase DNA binding protein 2; plus strand). Cytogenetic location: 15q26.1.
Variant type: single nucleotide variant.
Coding change: c.2240G>A on transcript NM_001271.4 (MANE Select); coding-DNA position 2240, G replaced by A.
Protein change: p.Ser747Asn; replaces serine 747 with asparagine.
Molecular consequence: missense variant.
Genome position (GRCh38, 1-based): chr15:92,971,815, G>A. VCF-style: chr15-92971815-G-A. GRCh37 (hg19) VCF-style: chr15-93515045-G-A.
Other names: short protein forms S747N.
Identifiers: ClinVar variation 3636676 (VCV003636676.2).